The following is an entry in ClinVar:

ClinVar aggregate classification (germline): Uncertain significance (1 of 4 stars; one submission).

Conditions:
Neuroblastoma, susceptibility to, 3. Also called: ALK-Related Neuroblastic Tumor Susceptibility. Identifiers: Orphanet 635, MedGen C2751681, MONDO:0013083, OMIM 613014.

gnomAD v4.1: 3 of 1,613,830 alleles (0.00019%); highest among the groups gnomAD compares: Non-Finnish European, 0.00025%; no homozygotes.

Submission:

Labcorp Genetics (formerly Invitae), Labcorp
Classification: Uncertain significance for Neuroblastoma, susceptibility to, 3. Last evaluated: 2021-01-06. Review status: criteria provided, single submitter. Criteria: Invitae Variant Classification Sherloc (09022015). Collection method: clinical testing. Allele origin: germline.
Comment: This variant has not been reported in the literature in individuals with ALK-related conditions. In summary, the available evidence is currently insufficient to determine the role of this variant in disease. Therefore, it has been classified as a Variant of Uncertain Significance. Algorithms developed to predict the effect of missense changes on protein structure and function are either unavailable or do not agree on the potential impact of this missense change (SIFT: "Deleterious"; PolyPhen-2: "Probably Damaging"; Align-GVGD: "Class C15"). This variant is not present in population databases (ExAC no frequency). This sequence change replaces glycine with arginine at codon 1345 of the ALK protein (p.Gly1345Arg). The glycine residue is highly conserved and there is a moderate physicochemical difference between glycine and arginine.

NM_004304.5(ALK):c.4033G>A (p.Gly1345Arg)

Gene: ALK (ALK receptor tyrosine kinase; minus strand). Cytogenetic location: 2p23.2.
Variant type: single nucleotide variant.
Coding change: c.4033G>A on transcript NM_004304.5 (MANE Select); coding-DNA position 4033, G replaced by A.
Protein change: p.Gly1345Arg; replaces glycine 1345 with arginine.
Molecular consequence: missense variant.
Genome position (GRCh38, 1-based): chr2:29,197,582, C>T on the plus strand (G>A on the coding strand, the complement: ALK is on the minus strand). VCF-style: chr2-29197582-C-T. GRCh37 (hg19) VCF-style: chr2-29420448-C-T.
Other names: c.829G>A, p.Gly277Arg (NM_001353765.2); short protein forms G277R, G1345R.
Identifiers: ClinVar variation 1363092 (VCV001363092.8), dbSNP rs2148143330, ClinGen allele CA346465991.